The following is an entry in ClinVar:

ClinVar aggregate classification (germline): Uncertain significance (1 of 4 stars; one submission).

Allele frequency attached by ClinVar (database versions not stated): gnomAD exomes below 0.00001.
gnomAD v4.1: 1 of 1,614,070 alleles (0.000062%); highest among the groups gnomAD compares: Non-Finnish European, 0.000085%; no homozygotes.

Submission:

Labcorp Genetics (formerly Invitae), Labcorp
Classification: Uncertain significance. Last evaluated: 2024-05-16. Review status: criteria provided, single submitter. Criteria: Invitae Variant Classification Sherloc (09022015). Collection method: clinical testing. Allele origin: germline.
Comment: This sequence change replaces phenylalanine, which is neutral and non-polar, with tyrosine, which is neutral and polar, at codon 1327 of the PCDH15 protein (p.Phe1327Tyr). This variant is not present in population databases (gnomAD no frequency). This variant has not been reported in the literature in individuals affected with PCDH15-related conditions. Advanced modeling of protein sequence and biophysical properties (such as structural, functional, and spatial information, amino acid conservation, physicochemical variation, residue mobility, and thermodynamic stability) performed at Invitae indicates that this missense variant is not expected to disrupt PCDH15 protein function with a negative predictive value of 80%. In summary, the available evidence is currently insufficient to determine the role of this variant in disease. Therefore, it has been classified as a Variant of Uncertain Significance.

NM_001384140.1(PCDH15):c.3980T>A (p.Phe1327Tyr)

Gene: PCDH15 (protocadherin related 15; minus strand). Cytogenetic location: 10q21.1.
Variant type: single nucleotide variant.
Coding change: c.3980T>A on transcript NM_001384140.1 (MANE Select); coding-DNA position 3980, T replaced by A.
Protein change: p.Phe1327Tyr; replaces phenylalanine 1327 with tyrosine.
Molecular consequence: missense variant.
Genome position (GRCh38, 1-based): chr10:53,840,323, A>T on the plus strand (T>A on the coding strand, the complement: PCDH15 is on the minus strand). VCF-style: chr10-53840323-A-T. GRCh37 (hg19) VCF-style: chr10-55600083-A-T.
Other names: c.3995T>A, p.Phe1332Tyr (NM_001142763.2, NM_001142771.2); c.3980T>A, p.Phe1327Tyr (NM_001142764.2, NM_001142766.2, NM_001142770.3 and 4 more transcripts); c.3767T>A, p.Phe1256Tyr (NM_001142765.2); c.3869T>A, p.Phe1290Tyr (NM_001142767.2); c.3914T>A, p.Phe1305Tyr (NM_001142768.2, NM_001142773.2, NM_001354404.2); c.4016T>A, p.Phe1339Tyr (NM_001142769.4); c.4001T>A, p.Phe1334Tyr (NM_001354411.2); short protein forms F1290Y, F1339Y, F1256Y, F1305Y, F1327Y, F1332Y, F1334Y.
Identifiers: ClinVar variation 2992927 (VCV002992927.3), dbSNP rs2492840614, ClinGen allele CA376528652.